The following is an entry in ClinVar:

ClinVar aggregate classification (germline): Pathogenic. Review status: criteria provided, multiple submitters, no conflicts (2 of 4 stars). 4 submissions from 3 submitters: Pathogenic (3). 1 of the submissions does not count toward it. Last evaluated 2022-03-20.

Conditions:
Episodic ataxia type 2 (EA2). Also called: ATAXIA, EPISODIC, WITH NYSTAGMUS; ATAXIA, FAMILIAL PAROXYSMAL; CEREBELLAR ATAXIA, PAROXYSMAL, ACETAZOLAMIDE-RESPONSIVE; CEREBELLOPATHY, HEREDITARY PAROXYSMAL; EPISODIC ATAXIA, NYSTAGMUS-ASSOCIATED; ACETAZOLAMIDE-RESPONSIVE HEREDITARY PAROXYSMAL CEREBELLAR ATAXIA. Identifiers: Orphanet 97, MedGen C1720416, MONDO:0007163, OMIM 108500.
Spinocerebellar ataxia type 6 (SCA6). Identifiers: Orphanet 98758, MedGen C0752124, MONDO:0008457, OMIM 183086.
Migraine, familial hemiplegic, 1. Also called: MIGRAINE, FAMILIAL HEMIPLEGIC 1, WITH PROGRESSIVE CEREBELLAR ATAXIA. Identifiers: Orphanet 569, MedGen C1832884, MONDO:0020756, OMIM 141500, MONDO:0007714.
Developmental and epileptic encephalopathy, 52 (DEE52). Also called: Epileptic encephalopathy, early infantile, 52. Identifiers: MedGen C4479236, MONDO:0033361, OMIM 617350.
Developmental and epileptic encephalopathy, 42 (DEE42A). Also called: Epileptic encephalopathy, early infantile, 42; DEVELOPMENTAL AND EPILEPTIC ENCEPHALOPATHY 42A; EPILEPTIC ENCEPHALOPATHY, EARLY INFANTILE, 42A. Identifiers: MedGen C4310716, MONDO:0014917, OMIM 617106.

Submissions (4):

Wendy Chung Laboratory, Boston Children's Hospital
Classification: Pathogenic for Developmental and epileptic encephalopathy, 52; Episodic ataxia type 2; Migraine, familial hemiplegic, 1; Spinocerebellar ataxia type 6. Last evaluated: 2022-03-20. Review status: criteria provided, single submitter. Criteria: ACMG Guidelines, 2015. Collection method: clinical testing. Allele origin: de novo. Affected: no.

GeneDx
Classification: Pathogenic. Last evaluated: 2017-03-22. Review status: criteria provided, single submitter. Criteria: GeneDx Variant Classification (06012015). Collection method: clinical testing. Allele origin: germline. Affected: yes.
Comment: The P1353L variant in the CACN1A gene has been reported previously as a presumed de novo finding in a child with global developmental delay and hypotonia (Weyhrauch et al., 2015; Lazaridis et al., 2016). The P1353L variant is not observed in large population cohorts (Lek et al., 2016; 1000 Genomes Consortium et al., 2015; Exome Variant Server). The P1353L variant is a semi-conservative amino acid substitution, which may impact secondary protein structure as these residues differ in some properties. This substitution occurs at a position that is conserved across species. In vitro analysis of P1353L demonstrates that this variant results in nearly complete loss of calcium channel function (Weyhrauch et al., 2015). Furthermore, missense variants in nearby residues (R1349Q, V1350L) have been reported in the Human Gene Mutation Database in association with CACNA1A-related disorders (Stenson et al., 2014), supporting the functional importance of this region of the protein. Therefore, we interpret P1353L as a pathogenic variant.

Baylor Genetics
Classification: Pathogenic for Developmental and epileptic encephalopathy, 42. Review status: criteria provided, single submitter. Criteria: ACMG Guidelines, 2015. Collection method: clinical testing. Allele origin: unknown.

Baylor Genetics
Classification: Uncertain significance for Episodic ataxia type 2. Last evaluated: 2017-09-01. Review status: flagged submission. Criteria: ACMG Guidelines, 2015. Collection method: clinical testing. Allele origin: de novo. Inheritance: Autosomal dominant inheritance. Affected: yes. Not counted in ClinVar's aggregate classification.
ClinVar note: Notes: Lab says likely pathogenicity in evidence summary but submitted an interpretation of uncertain significance.
ClinVar note: Reason: Other submission error

Literature cited by the submitters: PubMed 25326635 (cited by Baylor Genetics).

NM_001127222.2(CACNA1A):c.4055C>T (p.Pro1352Leu)

Gene: CACNA1A (calcium voltage-gated channel subunit alpha1 A; minus strand). Cytogenetic location: 19p13.13.
Variant type: single nucleotide variant.
Coding change: c.4055C>T on transcript NM_001127222.2 (MANE Select); coding-DNA position 4055, C replaced by T.
Protein change: p.Pro1352Leu; replaces proline 1352 with leucine.
Molecular consequence: missense variant.
Genome position (GRCh38, 1-based): chr19:13,262,768, G>A on the plus strand (C>T on the coding strand, the complement: CACNA1A is on the minus strand). VCF-style: chr19-13262768-G-A. GRCh37 (hg19) VCF-style: chr19-13373582-G-A.
Other names: c.4067C>T, p.Pro1356Leu (NM_000068.4, NM_023035.3); c.4058C>T, p.Pro1353Leu (NM_001127221.2, NM_001174080.2); short protein forms P1353L, P1356L, P1352L.
Identifiers: ClinVar variation 420945 (VCV000420945.5), dbSNP rs1064794808, ClinGen allele CA16620786.